The following is an entry in ClinVar:

ClinVar aggregate classification (germline): Uncertain significance (1 of 4 stars; one submission).

Submission:

Labcorp Genetics (formerly Invitae), Labcorp
Classification: Uncertain significance. Last evaluated: 2021-06-24. Review status: criteria provided, single submitter. Criteria: Invitae Variant Classification Sherloc (09022015). Collection method: clinical testing. Allele origin: germline.
Comment: In summary, the available evidence is currently insufficient to determine the role of this variant in disease. Therefore, it has been classified as a Variant of Uncertain Significance. Algorithms developed to predict the effect of missense changes on protein structure and function are either unavailable or do not agree on the potential impact of this missense change (SIFT: "Not Available"; PolyPhen-2: "Probably Damaging"; Align-GVGD: "Not Available"). This variant has not been reported in the literature in individuals with POLE-related conditions. The frequency data for this variant in the population databases is not available, as this variant may be reported as separate entries in the ExAC database. This sequence change replaces serine with isoleucine at codon 1830 of the POLE protein (p.Ser1830Ile). The serine residue is moderately conserved and there is a large physicochemical difference between serine and isoleucine.

NM_006231.4(POLE):c.5488_5489delinsAT (p.Ser1830Ile)

Gene: POLE (DNA polymerase epsilon, catalytic subunit; minus strand). Cytogenetic location: 12q24.33.
Variant type: Indel.
Coding change: c.5488_5489delinsAT on transcript NM_006231.4 (MANE Select); coding-DNA positions 5488 to 5489, TC replaced by AT.
Protein change: p.Ser1830Ile; replaces serine 1830 with isoleucine.
Molecular consequence: missense variant.
Genome position (GRCh38, 1-based): chr12:132,639,188-132,639,189, GA replaced by AT on the plus strand (TC replaced by AT on the coding strand, the reverse complement: POLE is on the minus strand). VCF-style: chr12-132639188-GA-AT. GRCh37 (hg19) VCF-style: chr12-133215774-GA-AT.
Other names: short protein forms S1830I.
Identifiers: ClinVar variation 1467435 (VCV001467435.6), dbSNP rs2138509301, ClinGen allele CA2573148107.